The following is an entry in ClinVar:

ClinVar aggregate classification (germline): Conflicting classifications of pathogenicity. Review status: criteria provided, conflicting classifications (1 of 4 stars). 11 submissions from 11 submitters: Uncertain significance (7); Benign (1); Likely benign (3). Last evaluated 2026-01-28.

Conditions:
DES-related disorder. Also called: DES-related condition.
Cardiovascular phenotype. Identifiers: MedGen CN230736.
Desmin-related myofibrillar myopathy (MFM1). Also called: Desminopathy; Myofibrillar myopathy 1; Desmin related myopathy (former name); Desmin storage myopathy (former name); MYOFIBRILLAR MYOPATHY WITH ARRHYTHMOGENIC RIGHT VENTRICULAR CARDIOMYOPATHY; DESMIN-RELATED MYOPATHY WITH ARRHYTHMOGENIC RIGHT VENTRICULAR CARDIOMYOPATHY. Identifiers: Orphanet 363543, Orphanet 98909, MedGen C1832370, MONDO:0011076, OMIM 601419.
Cardiomyopathy (CMYO). Also called: Cardiomyopathies. Identifiers: Orphanet 167848, MedGen C0878544, MONDO:0004994, HP:0001638. Inheritance: Various modes of inheritance.

Allele frequency attached by ClinVar (database versions not stated): gnomAD exomes 0.00004 and 0.00012; ExAC 0.00017; ESP Exome Variant Server 0.00046; TOPMed 0.00047; gnomAD 0.00054 and 0.00058; 1000 Genomes Project 0.00060; 1000 Genomes Project 30x 0.00078.
gnomAD v4.1: 136 of 1,614,218 alleles (0.0084%); highest among the groups gnomAD compares: African/African-American, 0.18%; no homozygotes.

Submissions (11):

Labcorp Genetics (formerly Invitae), Labcorp
Classification: Likely benign for Desmin-related myofibrillar myopathy. Last evaluated: 2026-01-28. Review status: criteria provided, single submitter. Criteria: Invitae Variant Classification Sherloc (09022015). Collection method: clinical testing. Allele origin: germline.

PreventionGenetics, part of Exact Sciences
Classification: Uncertain significance for DES-related condition. Last evaluated: 2026-01-26. Review status: criteria provided, single submitter. Criteria: ACMG Guidelines, 2015. Collection method: clinical testing. Allele origin: germline.
Comment: The DES c.656C>T variant is predicted to result in the amino acid substitution p.Thr219Ile. This variant was reported in an individual with limb girdle muscular dystrophy that had variants in other genes related to myopathy, and this variant was also reported in an unaffected sibling (Peddareddygari et al. 2018. PubMed ID: 30323756). In addition, this variant was reported in the homozygous state in an individual with hypertrophic cardiomyopathy (Supplemental Table 2 in Burstein et al. 2020. PubMed ID: 32746448). This variant is reported in 0.18% of alleles in individuals of African descent in gnomAD. Of note, another variant impacting the same amino acid (p.Thr219Pro) was reported the homozygous state in an individual with hypertrophic cardiomyopathy (Harada et al. 2018. PubMed ID: 29167554). At this time, the clinical significance of the c.656C>T (p.Thr219Ile) variant is uncertain due to the absence of conclusive functional and genetic evidence.

Blueprint Genetics
Classification: Likely benign. Last evaluated: 2024-11-26. Review status: criteria provided, single submitter. Criteria: ACMG Guidelines, 2015. Collection method: clinical testing. Allele origin: germline.

Women's Health and Genetics/Laboratory Corporation of America, LabCorp
Classification: Likely benign. Last evaluated: 2024-09-04. Review status: criteria provided, single submitter. Criteria: LabCorp Variant Classification Summary - May 2015. Collection method: clinical testing. Allele origin: germline.

GeneDx
Classification: Uncertain significance. Last evaluated: 2024-06-12. Review status: criteria provided, single submitter. Criteria: GeneDx Variant Classification Process June 2021. Collection method: clinical testing. Allele origin: germline. Affected: yes.
Comment: Reported in patients with myopathy and hypertrophic cardiomyopathy who also harbored additional variants in other myopathy- and cardiomyopathy-related genes (PMID: 30323756, 32746448); In silico analysis supports that this missense variant has a deleterious effect on protein structure/function; This variant is associated with the following publications: (PMID: 26807690, 32746448, 30323756)

Ambry Genetics
Classification: Benign for Cardiovascular phenotype. Last evaluated: 2022-05-23. Review status: criteria provided, single submitter. Criteria: Ambry Variant Classification Scheme 2023. Collection method: clinical testing. Allele origin: germline.

Revvity Omics, Revvity
Classification: Uncertain significance. Last evaluated: 2021-07-23. Review status: criteria provided, single submitter. Criteria: ACMG Guidelines, 2015. Collection method: clinical testing. Allele origin: germline.

Mayo Clinic Laboratories, Mayo Clinic
Classification: Uncertain significance. Last evaluated: 2019-07-22. Review status: criteria provided, single submitter. Criteria: ACMG Guidelines, 2015. Collection method: clinical testing. Allele origin: germline. Observed: 1 variant allele.

Laboratory for Molecular Medicine, Mass General Brigham Personalized Medicine
Classification: Uncertain significance. Last evaluated: 2017-08-03. Review status: criteria provided, single submitter. Criteria: LMM Criteria. Collection method: clinical testing. Allele origin: germline. Observed: 1 variant allele.
Comment: Variant classified as Uncertain Significance - Favor Benign. The p.Thr219Ile var iant in DES has not been previously reported in individuals with cardiomyopathy, but has been identified in 0.17% (43/24036) of African chromosomes by the Genom e Aggregation Database (gnomAD; dbSNP rs144901 249). Computational prediction tools and conservation analysis do not provide st rong support for or against an impact to the protein. In summary, while the clin ical significance of the p.Thr219Ile variant is uncertain, its frequency suggest s that it is more likely to be benign.

CHEO Genetics Diagnostic Laboratory, Children's Hospital of Eastern Ontario
Classification: Uncertain significance for Cardiomyopathy. Last evaluated: 2016-10-24. Review status: criteria provided, single submitter. Criteria: ACMG Guidelines, 2015. Collection method: clinical testing. Allele origin: germline. Study: Canadian Open Genetics Repository.

Eurofins Ntd Llc (ga)
Classification: Uncertain significance. Last evaluated: 2016-10-21. Review status: criteria provided, single submitter. Criteria: EGL Classification Definitions 2015. Collection method: clinical testing. Allele origin: germline. Observed: 1 variant allele, 1 heterozygote.

Literature cited by the submitters: PubMed 30323756 (cited by Ambry Genetics); PubMed 32746448 (cited by Ambry Genetics).

NM_001927.4(DES):c.656C>T (p.Thr219Ile)

Gene: DES (desmin; plus strand). Cytogenetic location: 2q35.
Variant type: single nucleotide variant.
Coding change: c.656C>T on transcript NM_001927.4 (MANE Select); coding-DNA position 656, C replaced by T.
Protein change: p.Thr219Ile; replaces threonine 219 with isoleucine.
Molecular consequence: missense variant.
Genome position (GRCh38, 1-based): chr2:219,420,267, C>T. VCF-style: chr2-219420267-C-T. GRCh37 (hg19) VCF-style: chr2-220284989-C-T.
Other names: short protein forms T219I.
Identifiers: ClinVar variation 228550 (VCV000228550.38), dbSNP rs144901249, ClinGen allele CA2125118.